The following is an entry in ClinVar:

NM_015629.4(PRPF31):c.865C>T (p.Arg289Trp)

Gene: PRPF31 (pre-mRNA processing factor 31; plus strand). Cytogenetic location: 19q13.42.
Variant type: single nucleotide variant.
Coding change: c.865C>T on transcript NM_015629.4 (MANE Select); coding-DNA position 865, C replaced by T.
Protein change: p.Arg289Trp; replaces arginine 289 with tryptophan.
Molecular consequence: missense variant.
Genome position (GRCh38, 1-based): chr19:54,126,537, C>T. VCF-style: chr19-54126537-C-T. GRCh37 (hg19) VCF-style: chr19-54629912-C-T.
Other names: short protein forms R289W.
Identifiers: ClinVar variation 1491237 (VCV001491237.6), dbSNP rs780317796, ClinGen allele CA309327817.

ClinVar aggregate classification (germline): Uncertain significance (1 of 4 stars; one submission).

Allele frequency attached by ClinVar (database versions not stated): TOPMed 0.00001; gnomAD exomes 0.00002 and 0.00001; ExAC 0.00001.
gnomAD v4.1: 9 of 1,613,150 alleles (0.00056%); highest among the groups gnomAD compares: Middle Eastern, 0.017%; no homozygotes.

Submission:

Labcorp Genetics (formerly Invitae), Labcorp
Classification: Uncertain significance. Last evaluated: 2025-08-10. Review status: criteria provided, single submitter. Criteria: Invitae Variant Classification Sherloc (09022015). Collection method: clinical testing. Allele origin: germline.
Comment: This sequence change replaces arginine, which is basic and polar, with tryptophan, which is neutral and slightly polar, at codon 289 of the PRPF31 protein (p.Arg289Trp). This variant is present in population databases (rs780317796, gnomAD 0.004%). This variant has not been reported in the literature in individuals affected with PRPF31-related conditions. ClinVar contains an entry for this variant (Variation ID: 1491237). An algorithm developed to predict the effect of missense changes on protein structure and function (PolyPhen-2) suggests that this variant is likely to be disruptive. In summary, the available evidence is currently insufficient to determine the role of this variant in disease. Therefore, it has been classified as a Variant of Uncertain Significance.